The following is an entry in ClinVar:

NM_015978.3(TNNI3K):c.1893G>A (p.Met631Ile)

Genes: FPGT-TNNI3K (FPGT-TNNI3K readthrough; plus strand), TNNI3K (TNNI3 interacting kinase; plus strand). Cytogenetic location: 1p31.1.
Variant type: single nucleotide variant.
Coding change: c.1893G>A on transcript NM_015978.3 (MANE Select); coding-DNA position 1893, G replaced by A.
Protein change: p.Met631Ile; replaces methionine 631 with isoleucine.
Molecular consequence: missense variant.
Genome position (GRCh38, 1-based): chr1:74,439,504, G>A. VCF-style: chr1-74439504-G-A. GRCh37 (hg19) VCF-style: chr1-74905188-G-A.
Other names: c.2196G>A, p.Met732Ile (NM_001112808.3, NM_001199327.2); short protein forms M732I, M631I.
Identifiers: ClinVar variation 2776175 (VCV002776175.3), dbSNP rs748679301, ClinGen allele CA340789658.

ClinVar aggregate classification (germline): Uncertain significance (1 of 4 stars; one submission).

gnomAD v4.1: 6 of 1,611,956 alleles (0.00037%); highest among the groups gnomAD compares: African/African-American, 0.0013%; no homozygotes.

Submission:

Labcorp Genetics (formerly Invitae), Labcorp
Classification: Uncertain significance. Last evaluated: 2024-12-10. Review status: criteria provided, single submitter. Criteria: Invitae Variant Classification Sherloc (09022015). Collection method: clinical testing. Allele origin: germline.
Comment: This sequence change replaces methionine, which is neutral and non-polar, with isoleucine, which is neutral and non-polar, at codon 631 of the TNNI3K protein (p.Met631Ile). This variant is not present in population databases (gnomAD no frequency). This variant has not been reported in the literature in individuals affected with TNNI3K-related conditions. ClinVar contains an entry for this variant (Variation ID: 2776175). An algorithm developed to predict the effect of missense changes on protein structure and function (PolyPhen-2) suggests that this variant is likely to be disruptive. In summary, the available evidence is currently insufficient to determine the role of this variant in disease. Therefore, it has been classified as a Variant of Uncertain Significance.